The following is an entry in ClinVar:

ClinVar aggregate classification (germline): Uncertain significance. Review status: criteria provided, single submitter (1 of 4 stars). 2 submissions from 2 submitters: Uncertain significance (1). 1 of the submissions does not count toward it. Last evaluated 2022-07-23.

Conditions:
Fetal akinesia deformation sequence 1 (FADS1). Also called: Pena-Shokeir syndrome type I; Fetal akinesia sequence. Identifiers: Orphanet 994, MedGen C1276035, MONDO:0100101, OMIM 208150, HP:0001989.
Congenital myasthenic syndrome 11. Also called: MYASTHENIC SYNDROME, CONGENITAL, Ie; Myasthenic syndrome, congenital, 11, associated with acetylcholine receptor deficiency. Identifiers: Orphanet 590, MedGen C4225367, MONDO:0014588, OMIM 616326.
Congenital myasthenic syndrome (CMS). Also called: Congenital Myasthenic Syndromes. Identifiers: Orphanet 590, MedGen C0751882, MeSH D020294, MONDO:0018940.

Allele frequency attached by ClinVar (database versions not stated): ExAC below 0.00001; gnomAD 0.00001; gnomAD exomes 0.00001 and 0.00004; TOPMed 0.00001.
gnomAD v4.1: 52 of 1,566,422 alleles (0.0033%); highest among the groups gnomAD compares: Non-Finnish European, 0.0035%; no homozygotes.

Submissions (2):

Labcorp Genetics (formerly Invitae), Labcorp
Classification: Uncertain significance for Congenital myasthenic syndrome 11; Fetal akinesia deformation sequence 1. Last evaluated: 2022-07-23. Review status: criteria provided, single submitter. Criteria: Invitae Variant Classification Sherloc (09022015). Collection method: clinical testing. Allele origin: germline.
Comment: This sequence change replaces arginine, which is basic and polar, with glutamine, which is neutral and polar, at codon 343 of the RAPSN protein (p.Arg343Gln). The frequency data for this variant in the population databases is considered unreliable, as metrics indicate poor data quality at this position in the gnomAD database. This variant has not been reported in the literature in individuals affected with RAPSN-related conditions. ClinVar contains an entry for this variant (Variation ID: 542732). Algorithms developed to predict the effect of missense changes on protein structure and function are either unavailable or do not agree on the potential impact of this missense change (SIFT: "Deleterious"; PolyPhen-2: "Benign"; Align-GVGD: "Class C0"). In summary, the available evidence is currently insufficient to determine the role of this variant in disease. Therefore, it has been classified as a Variant of Uncertain Significance.

Natera, Inc.
Classification: Uncertain significance for Congenital myasthenic syndrome. Last evaluated: 2019-11-11. Review status: no assertion criteria provided. Collection method: clinical testing. Allele origin: germline. Not counted in ClinVar's aggregate classification.

NM_005055.5(RAPSN):c.1028G>A (p.Arg343Gln)

Gene: RAPSN (receptor associated protein of the synapse; minus strand). Cytogenetic location: 11p11.2.
Variant type: single nucleotide variant.
Coding change: c.1028G>A on transcript NM_005055.5 (MANE Select); coding-DNA position 1028, G replaced by A.
Protein change: p.Arg343Gln; replaces arginine 343 with glutamine.
Molecular consequence: missense variant.
Genome position (GRCh38, 1-based): chr11:47,438,870, C>T on the plus strand (G>A on the coding strand, the complement: RAPSN is on the minus strand). VCF-style: chr11-47438870-C-T. GRCh37 (hg19) VCF-style: chr11-47460421-C-T.
Other names: c.851G>A, p.Arg284Gln (NM_032645.5); short protein forms R343Q, R284Q.
Identifiers: ClinVar variation 542732 (VCV000542732.7), dbSNP rs757902272, ClinGen allele CA5976525.